The following is an entry in ClinVar:

NM_133433.4(NIPBL):c.6707dup (p.Asn2236fs)

Gene: NIPBL (NIPBL cohesin loading factor; plus strand). Cytogenetic location: 5p13.2.
Variant type: Duplication.
Coding change: c.6707dup on transcript NM_133433.4 (MANE Select); coding-DNA position 6707, one base duplicated (A; older notation c.6707dupA).
Protein change: p.Asn2236fs; shifts the reading frame from asparagine 2236.
Molecular consequence: frameshift variant.
Genome position (GRCh38, 1-based): chr5:37,048,619, A duplicated; the last of 6 consecutive A bases (chr5:37,048,614-37,048,619); duplicating any one gives the same sequence. VCF-style (leftmost placement, unchanged base first): chr5-37048613-T-TA. GRCh37 (hg19) VCF-style: chr5-37048715-T-TA.
Other names: c.6707dup, p.Asn2236fs (NM_015384.5); short protein forms N2236fs.
Identifiers: ClinVar variation 211656 (VCV000211656.9), dbSNP rs797045778, ClinGen allele CA277307.
Genomic context (GRCh38, chr5:37,048,613, plus strand): 5'-ATCTATATAATAATATTTTATCTGATAAGAACTCCTCAGTCAATTTAAAAATACAAGTGT[T>TA]AAAAAACCTCCAGACCTACCTACAAGAAGAAGATACACGTATGCAGCAGGCAGATAGAGA-3'

ClinVar aggregate classification (germline): Pathogenic. Review status: criteria provided, multiple submitters, no conflicts (2 of 4 stars). 2 submissions from 2 submitters: Pathogenic (2). Last evaluated 2024-04-15.

Conditions:
Cornelia de Lange syndrome 1 (CDLS1). Also called: TYPUS DEGENERATIVUS AMSTELODAMENSIS; Brachmann de Lange syndrome; NIPBL-Related Cornelia de Lange Syndrome. Identifiers: Orphanet 199, MedGen C4551851, MONDO:0007387, OMIM 122470.

Submissions (2):

Labcorp Genetics (formerly Invitae), Labcorp
Classification: Pathogenic for Cornelia de Lange syndrome 1. Last evaluated: 2024-04-15. Review status: criteria provided, single submitter. Criteria: Invitae Variant Classification Sherloc (09022015). Collection method: clinical testing. Allele origin: germline.
Comment: This sequence change creates a premature translational stop signal (p.Asn2236Lysfs*18) in the NIPBL gene. It is expected to result in an absent or disrupted protein product. Loss-of-function variants in NIPBL are known to be pathogenic (PMID: 15318302, 19763162, 23505322, 29995837). This variant is not present in population databases (gnomAD no frequency). This variant has not been reported in the literature in individuals affected with NIPBL-related conditions. ClinVar contains an entry for this variant (Variation ID: 211656). For these reasons, this variant has been classified as Pathogenic.

Genetic Services Laboratory, University of Chicago
Classification: Pathogenic for Cornelia de Lange syndrome 1. Last evaluated: 2013-02-08. Review status: criteria provided, single submitter. Criteria: ACMG Guidelines, 2007. Collection method: clinical testing. Allele origin: germline. Affected: yes.

Literature cited by the submitters: PubMed 15318302 (cited by Labcorp Genetics (formerly Invitae), Labcorp); PubMed 19763162 (cited by Labcorp Genetics (formerly Invitae), Labcorp); PubMed 23505322 (cited by Labcorp Genetics (formerly Invitae), Labcorp); PubMed 29995837 (cited by Labcorp Genetics (formerly Invitae), Labcorp).